The following is an entry in ClinVar:

NC_000002.11:g.(215595233_215609790)_(215634037_215645283)del

Gene: BARD1 (BRCA1 associated RING domain 1; minus strand). Cytogenetic location: 2q35.
Variant type: Deletion.
Identifiers: ClinVar variation 4847135 (VCV004847135.1).

ClinVar aggregate classification (germline): Pathogenic (1 of 4 stars; one submission).

Conditions:
Hereditary breast ovarian cancer syndrome. Also called: Breast and ovarian cancer; Hereditary breast and ovarian cancer; Hereditary breast and/or ovarian cancer syndrome; BRCA1- and BRCA2-Associated Hereditary Breast and Ovarian Cancer; Hereditary breast and ovarian cancer syndrome; Hereditary breast and ovarian cancer syndrome (HBOC). Identifiers: Orphanet 145, MedGen C0677776, MeSH D061325, MONDO:0003582. Disease mechanism: loss of function.

Submission:

Women's Health and Genetics/Laboratory Corporation of America, LabCorp
Classification: Pathogenic for Hereditary breast ovarian cancer syndrome. Last evaluated: 2026-03-17. Review status: criteria provided, single submitter. Criteria: LabCorp Variant Classification Summary - May 2015. Collection method: clinical testing. Allele origin: germline.
Comment: Variant summary: The variant involves the deletion of exons 5-9 in the BARD1 gene. A presumed nomenclature of c.(1314+1_1315-1)_(1903+1_1904-1)del has been designated for the purposes of this classification. This Copy Number Variant (CNV) is expected to alter the reading frame and predicted to result in a truncation or absence of the encoded protein due to nonsense mediated decay (NMD). Loss-of-function variants in this gene are known to be pathogenic. The variant allele was found at a frequency of 4.3e-06 in 462883 control chromosomes in the gnomAD database (CNVs v4.1 dataset). To our knowledge, no occurrence of c.(1314+1_1315-1)_(1903+1_1904-1)del in individuals affected with BARD1-related conditions and no experimental evidence demonstrating its impact on protein function have been reported. ClinVar contains an entry for this variant (Variation ID: 2423124). Based on the evidence outlined above, the variant was classified as pathogenic.